The following is an entry in ClinVar:

NM_001267550.2(TTN):c.66862C>T (p.Arg22288Cys)

Genes: TTN (titin; minus strand), TTN-AS1 (TTN antisense RNA 1; plus strand). Cytogenetic location: 2q31.2.
Variant type: single nucleotide variant.
Coding change: c.66862C>T on transcript NM_001267550.2 (MANE Select); coding-DNA position 66862, C replaced by T.
Protein change: p.Arg22288Cys; replaces arginine 22288 with cysteine.
Molecular consequence: missense variant.
Genome position (GRCh38, 1-based): chr2:178,580,517, G>A on the plus strand (C>T on the coding strand, the complement: TTN is on the minus strand). VCF-style: chr2-178580517-G-A. GRCh37 (hg19) VCF-style: chr2-179445244-G-A.
Other names: c.61939C>T, p.Arg20647Cys (NM_001256850.1); c.39667C>T, p.Arg13223Cys (NM_003319.4); c.59158C>T, p.Arg19720Cys (NM_133378.4); c.40042C>T, p.Arg13348Cys (NM_133432.3); c.40243C>T, p.Arg13415Cys (NM_133437.4); short protein forms R13223C, R13348C, R13415C, R19720C, R20647C, R22288C.
Identifiers: ClinVar variation 1203775 (VCV001203775.4), dbSNP rs367665060, ClinGen allele CA1991407.

ClinVar aggregate classification (germline): Conflicting classifications of pathogenicity. Review status: criteria provided, conflicting classifications (1 of 4 stars). 2 submissions from 2 submitters: Uncertain significance (1); Likely benign (1). Last evaluated 2026-04-20.

Conditions:
TTN-related disorder. Also called: TTN-related disorders; TTN-related condition; TTN-related disease.

Allele frequency attached by ClinVar (database versions not stated): gnomAD exomes 0.00002; TOPMed 0.00003; ExAC 0.00004; gnomAD 0.00005 and 0.00006; ESP Exome Variant Server 0.00008.
gnomAD v4.1: 35 of 1,612,672 alleles (0.0022%); highest among the groups gnomAD compares: African/African-American, 0.013%; no homozygotes.

Submissions (2):

PreventionGenetics, part of Exact Sciences
Classification: Uncertain significance for TTN-related condition. Last evaluated: 2026-04-20. Review status: criteria provided, single submitter. Criteria: ACMG Guidelines, 2015. Collection method: clinical testing. Allele origin: germline.
Comment: The TTN c.66862C>T variant is predicted to result in the amino acid substitution p.Arg22288Cys. To our knowledge, this variant has not been reported in the literature. This variant is reported in 0.017% of alleles in individuals of African descent in gnomAD. At this time, the clinical significance of this variant is uncertain due to the absence of conclusive functional and genetic evidence.

GeneDx
Classification: Likely benign. Last evaluated: 2021-04-19. Review status: criteria provided, single submitter. Criteria: GeneDx Variant Classification Process June 2021. Collection method: clinical testing. Allele origin: germline. Affected: yes.